The following is an entry in ClinVar:

NM_002497.4(NEK2):c.191A>T (p.His64Leu)

Gene: NEK2 (NIMA related kinase 2; minus strand). Cytogenetic location: 1q32.3.
Variant type: single nucleotide variant.
Coding change: c.191A>T on transcript NM_002497.4 (MANE Select); coding-DNA position 191, A replaced by T.
Protein change: p.His64Leu; replaces histidine 64 with leucine.
Molecular consequence: missense variant.
Genome position (GRCh38, 1-based): chr1:211,674,419, T>A on the plus strand (A>T on the coding strand, the complement: NEK2 is on the minus strand). VCF-style: chr1-211674419-T-A. GRCh37 (hg19) VCF-style: chr1-211847761-T-A.
Other names: c.191A>T, p.His64Leu (NM_001204182.2, NM_001204183.2); short protein forms H64L.
Identifiers: ClinVar variation 2130877 (VCV002130877.4), dbSNP rs1655510508, ClinGen allele CA344785315.

ClinVar aggregate classification (germline): Uncertain significance (1 of 4 stars; one submission).

Allele frequency attached by ClinVar (database versions not stated): gnomAD 0.00001; gnomAD exomes below 0.00001.
gnomAD v4.1: 2 of 1,614,036 alleles (0.00012%); highest among the groups gnomAD compares: South Asian, 0.0011%; no homozygotes.

Submission:

Labcorp Genetics (formerly Invitae), Labcorp
Classification: Uncertain significance. Last evaluated: 2025-03-31. Review status: criteria provided, single submitter. Criteria: Invitae Variant Classification Sherloc (09022015). Collection method: clinical testing. Allele origin: germline.
Comment: This sequence change replaces histidine, which is basic and polar, with leucine, which is neutral and non-polar, at codon 64 of the NEK2 protein (p.His64Leu). This variant is not present in population databases (gnomAD no frequency). This variant has not been reported in the literature in individuals affected with NEK2-related conditions. ClinVar contains an entry for this variant (Variation ID: 2130877). An algorithm developed to predict the effect of missense changes on protein structure and function (PolyPhen-2) suggests that this variant is likely to be disruptive. In summary, the available evidence is currently insufficient to determine the role of this variant in disease. Therefore, it has been classified as a Variant of Uncertain Significance.